The following is an entry in ClinVar:

ClinVar aggregate classification (germline): Pathogenic/Likely pathogenic. Review status: criteria provided, multiple submitters, no conflicts (2 of 4 stars). 2 submissions from 2 submitters: Pathogenic (1); Likely pathogenic (1). Last evaluated 2022-04-01.

Conditions:
Neurodevelopmental-craniofacial syndrome with variable renal and cardiac abnormalities. Identifiers: MedGen C5561984, MONDO:0859190, OMIM 619522.

Submissions (2):

GeneDx
Classification: Pathogenic. Last evaluated: 2022-04-01. Review status: criteria provided, single submitter. Criteria: GeneDx Variant Classification Process June 2021. Collection method: clinical testing. Allele origin: germline. Affected: yes.
Comment: Nonsense variant predicted to result in protein truncation or nonsense mediated decay in a gene for which loss of function is a known mechanism of disease; Not observed at significant frequency in large population cohorts (gnomAD); Has not been previously published as pathogenic or benign to our knowledge

3billion
Classification: Likely pathogenic for Neurodevelopmental-craniofacial syndrome with variable renal and cardiac abnormalities. Last evaluated: 2021-10-02. Review status: criteria provided, single submitter. Criteria: ACMG Guidelines, 2015. Collection method: clinical testing. Allele origin: unknown. Affected: yes. Observed: 1 heterozygote.
Comment: Stop-gained (nonsense): predicted to result in a loss or disruption of normal protein function through nonsense-mediated decay (NMD) or protein truncation. Multiple pathogenic variants are reported downstream of the variant. It is not observed in the gnomAD v2.1.1 dataset (PM2). Therefore, this variant is classified as likely pathogenic according to the recommendation of ACMG/AMP guideline.

NM_197968.4(ZMYM2):c.3472C>T (p.Arg1158Ter)

Gene: ZMYM2 (zinc finger MYM-type containing 2; plus strand). Cytogenetic location: 13q12.11.
Variant type: single nucleotide variant.
Coding change: c.3472C>T on transcript NM_197968.4 (MANE Select); coding-DNA position 3472, C replaced by T.
Protein change: p.Arg1158Ter; replaces arginine 1158 with a stop codon.
Molecular consequence: nonsense. On other transcripts: non-coding transcript variant (1).
Genome position (GRCh38, 1-based): chr13:20,082,034, C>T. VCF-style: chr13-20082034-C-T. GRCh37 (hg19) VCF-style: chr13-20656174-C-T.
Other names: c.3472C>T, p.Arg1158Ter (NM_001190964.4, NM_001190965.4, NM_001353157.2 and 4 more transcripts); c.3277C>T, p.Arg1093Ter (NM_001353161.3); c.3211C>T, p.Arg1071Ter (NM_001353163.2); c.3472C>T (NM_003453.4); short protein forms R1071*, R1093*, R1158*.
Identifiers: ClinVar variation 1320249 (VCV001320249.3), dbSNP rs2141041750, ClinGen allele CA387469120.